The following is an entry in ClinVar:

NM_020680.4(SCYL1):c.1941A>C (p.Glu647Asp)

Gene: SCYL1 (SCY1 like pseudokinase 1; plus strand). Cytogenetic location: 11q13.1.
Variant type: single nucleotide variant.
Coding change: c.1941A>C on transcript NM_020680.4 (MANE Select); coding-DNA position 1941, A replaced by C.
Protein change: p.Glu647Asp; replaces glutamic acid 647 with aspartic acid.
Molecular consequence: missense variant.
Genome position (GRCh38, 1-based): chr11:65,537,110, A>C. VCF-style: chr11-65537110-A-C. GRCh37 (hg19) VCF-style: chr11-65304581-A-C.
Other names: c.1890A>C, p.Glu630Asp (NM_001048218.2, NM_001425184.1, NM_001425192.1 and 4 more transcripts); c.1941A>C, p.Glu647Asp (NM_001411022.1, NM_001425181.1, NM_001425185.1 and 5 more transcripts); c.1938A>C, p.Glu646Asp (NM_001425179.1, NM_001425180.1, NM_001425182.1 and 1 more transcripts); c.1887A>C, p.Glu629Asp (NM_001425183.1); c.1863A>C, p.Glu621Asp (NM_001425187.1); c.1857A>C, p.Glu619Asp (NM_001425189.1); c.1827A>C, p.Glu609Asp (NM_001425191.1); c.1809A>C, p.Glu603Asp (NM_001425193.1); and 6 more; short protein forms E443D, E487D, E619D, E647D, E426D, E562D, E603D, E609D.
Identifiers: ClinVar variation 4977621 (VCV004977621.1).

ClinVar aggregate classification (germline): Uncertain significance (1 of 4 stars; one submission).

Conditions:
SCYL1-related disorder. Also called: SCYL1-related condition.

gnomAD v4.1: 3 of 1,614,062 alleles (0.00019%); highest among the groups gnomAD compares: African/African-American, 0.0027%; no homozygotes.

Submission:

PreventionGenetics, part of Exact Sciences
Classification: Uncertain significance for SCYL1-related condition. Last evaluated: 2026-03-31. Review status: criteria provided, single submitter. Criteria: ACMG Guidelines, 2015. Collection method: clinical testing. Allele origin: germline.
Comment: The SCYL1 c.1941A>C variant is predicted to result in the amino acid substitution p.Glu647Asp. To our knowledge, this variant has not been reported in the literature or in a large population database (gnomAD), indicating this variant is rare. At this time, the clinical significance of this variant is uncertain due to the absence of conclusive functional and genetic evidence.